The following is an entry in ClinVar:

ClinVar aggregate classification (germline): Benign/Likely benign. Review status: criteria provided, multiple submitters, no conflicts (2 of 4 stars). 6 submissions from 6 submitters: Benign (1); Likely benign (5). Last evaluated 2025-11-21.

Conditions:
BARD1-related disorder. Also called: BARD1-related condition.
Hereditary cancer-predisposing syndrome. Also called: Neoplastic Syndromes, Hereditary; Hereditary neoplastic syndrome; Hereditary Cancer Syndrome; Tumor predisposition. Identifiers: Orphanet 140162, MedGen C0027672, MeSH D009386, MONDO:0015356.
Familial cancer of breast. Also called: BREAST CANCER, FAMILIAL; Hereditary breast cancer; hereditary breast carcinoma. Identifiers: Orphanet 227535, MedGen C0346153, MONDO:0016419, OMIM 114480. Disease mechanism: loss of function.

Allele frequency attached by ClinVar (database versions not stated): gnomAD 0.00001; gnomAD exomes 0.00001; TOPMed 0.00002.
gnomAD v4.1: 29 of 1,611,634 alleles (0.0018%); highest among the groups gnomAD compares: Non-Finnish European, 0.0021%; no homozygotes.

Submissions (6):

Labcorp Genetics (formerly Invitae), Labcorp
Classification: Likely benign for Familial cancer of breast. Last evaluated: 2025-11-21. Review status: criteria provided, single submitter. Criteria: Invitae Variant Classification Sherloc (09022015). Collection method: clinical testing. Allele origin: germline.

PreventionGenetics, part of Exact Sciences
Classification: Likely benign for BARD1-related condition. Last evaluated: 2025-04-29. Review status: criteria provided, single submitter. Criteria: ACMG Guidelines, 2015. Collection method: clinical testing. Allele origin: germline.
Comment: This variant is classified as likely benign based on ACMG/AMP sequence variant interpretation guidelines (Richards et al. 2015 PMID: 25741868, with internal and published modifications).

Myriad Genetics, Inc.
Classification: Benign for Familial cancer of breast. Last evaluated: 2024-07-22. Review status: criteria provided, single submitter. Criteria: Myriad Autosomal Dominant, Autosomal Recessive and X-Linked Classification Criteria (2023). Collection method: clinical testing. Allele origin: unknown.
Comment: This variant is considered benign. This variant is a silent/synonymous amino acid change and it is not expected to impact splicing.

Color Diagnostics, LLC DBA Color Health
Classification: Likely benign for Hereditary cancer-predisposing syndrome. Last evaluated: 2017-09-29. Review status: criteria provided, single submitter. Criteria: ACMG Guidelines, 2015. Collection method: clinical testing. Allele origin: germline.

Ambry Genetics
Classification: Likely benign for Hereditary cancer-predisposing syndrome. Last evaluated: 2016-11-09. Review status: criteria provided, single submitter. Criteria: Ambry Variant Classification Scheme 2023. Collection method: clinical testing. Allele origin: germline.

GeneDx
Classification: Likely benign. Last evaluated: 2016-09-23. Review status: criteria provided, single submitter. Criteria: GeneDx Variant Classification (06012015). Collection method: clinical testing. Allele origin: germline. Affected: yes.
Comment: This variant is considered likely benign or benign based on one or more of the following criteria: it is a conservative change, it occurs at a poorly conserved position in the protein, it is predicted to be benign by multiple in silico algorithms, and/or has population frequency not consistent with disease.

NM_000465.4(BARD1):c.567A>C (p.Ala189=)

Gene: BARD1 (BRCA1 associated RING domain 1; minus strand). Cytogenetic location: 2q35.
Variant type: single nucleotide variant.
Coding change: c.567A>C on transcript NM_000465.4 (MANE Select); coding-DNA position 567, A replaced by C.
Protein change: p.Ala189=; no amino-acid change (alanine 189 retained).
Molecular consequence: synonymous variant. On other transcripts: non-coding transcript variant (2), intron variant (3).
Genome position (GRCh38, 1-based): chr2:214,781,307, T>G on the plus strand (A>C on the coding strand, the complement: BARD1 is on the minus strand). VCF-style: chr2-214781307-T-G. GRCh37 (hg19) VCF-style: chr2-215646031-T-G.
Other names: c.510A>C, p.Ala170= (NM_001282543.2); c.158+28105A>C (NM_001282548.2); c.215+15754A>C (NM_001282545.2); c.364+10990A>C (NM_001282549.2).
Identifiers: ClinVar variation 237840 (VCV000237840.21), dbSNP rs878854015, ClinGen allele CA10581936.